The following is an entry in ClinVar:

NM_031220.4(PITPNM3):c.1127C>T (p.Ala376Val)

Gene: PITPNM3 (PITPNM family member 3; minus strand). Cytogenetic location: 17p13.2.
Variant type: single nucleotide variant.
Coding change: c.1127C>T on transcript NM_031220.4 (MANE Select); coding-DNA position 1127, C replaced by T.
Protein change: p.Ala376Val; replaces alanine 376 with valine.
Molecular consequence: missense variant.
Genome position (GRCh38, 1-based): chr17:6,474,563, G>A on the plus strand (C>T on the coding strand, the complement: PITPNM3 is on the minus strand). VCF-style: chr17-6474563-G-A. GRCh37 (hg19) VCF-style: chr17-6377883-G-A.
Other names: c.1127C>T (NM_031220.3); c.1019C>T, p.Ala340Val (NM_001165966.2); short protein forms A376V, A340V.
Identifiers: ClinVar variation 2062701 (VCV002062701.6), dbSNP rs377593957, ClinGen allele CA8329602.

ClinVar aggregate classification (germline): Conflicting classifications of pathogenicity. Review status: criteria provided, conflicting classifications (1 of 4 stars). 3 submissions from 3 submitters: Uncertain significance (2); Likely benign (1). Last evaluated 2025-12-30.

Allele frequency attached by ClinVar (database versions not stated): gnomAD 0.00005; TOPMed 0.00006; ExAC 0.00010; gnomAD exomes 0.00010; ESP Exome Variant Server 0.00023.
gnomAD v4.1: 148 of 1,592,846 alleles (0.0093%); highest among the groups gnomAD compares: Non-Finnish European, 0.011%; no homozygotes.

Submissions (3):

Labcorp Genetics (formerly Invitae), Labcorp
Classification: Uncertain significance. Last evaluated: 2025-12-30. Review status: criteria provided, single submitter. Criteria: Invitae Variant Classification Sherloc (09022015). Collection method: clinical testing. Allele origin: germline.
Comment: This sequence change replaces alanine, which is neutral and non-polar, with valine, which is neutral and non-polar, at codon 376 of the PITPNM3 protein (p.Ala376Val). This variant is present in population databases (rs377593957, gnomAD 0.02%). This variant has not been reported in the literature in individuals affected with PITPNM3-related conditions. ClinVar contains an entry for this variant (Variation ID: 2062701). Invitae Evidence Modeling of protein sequence and biophysical properties (such as structural, functional, and spatial information, amino acid conservation, physicochemical variation, residue mobility, and thermodynamic stability) indicates that this missense variant is not expected to disrupt PITPNM3 protein function with a negative predictive value of 80%. In summary, the available evidence is currently insufficient to determine the role of this variant in disease. Therefore, it has been classified as a Variant of Uncertain Significance.

Ambry Genetics
Classification: Uncertain significance. Last evaluated: 2024-07-07. Review status: criteria provided, single submitter. Criteria: Ambry Variant Classification Scheme 2023. Collection method: clinical testing. Allele origin: germline.

Blueprint Genetics
Classification: Likely benign. Last evaluated: 2023-11-16. Review status: criteria provided, single submitter. Criteria: ACMG Guidelines, 2015. Collection method: clinical testing. Allele origin: germline.